The following is an entry in ClinVar:

NM_021098.3(CACNA1H):c.4223+8dup

Gene: CACNA1H (calcium voltage-gated channel subunit alpha1 H; plus strand). Cytogenetic location: 16p13.3.
Variant type: Duplication.
Coding change: c.4223+8dup on transcript NM_021098.3 (MANE Select); 8 bases into the intron after coding-DNA position 4223, one base duplicated (G; older notation c.4223+8dupG).
Molecular consequence: intron variant.
Genome position (GRCh38, 1-based): chr16:1,210,979, G duplicated; the last of 6 consecutive G bases (chr16:1,210,974-1,210,979); duplicating any one gives the same sequence. VCF-style (leftmost placement, unchanged base first): chr16-1210973-T-TG. GRCh37 (hg19) VCF-style: chr16-1260973-T-TG.
Other names: c.4223+8dupG (NM_021098.2); c.4223+8dup (NM_001005407.2).
Identifiers: ClinVar variation 529677 (VCV000529677.16), dbSNP rs545116263, ClinGen allele CA7801182.

ClinVar aggregate classification (germline): Benign/Likely benign. Review status: criteria provided, multiple submitters, no conflicts (2 of 4 stars). 4 submissions from 4 submitters: Benign (2); Likely benign (1). 1 of the submissions does not count toward it. Last evaluated 2025-09-24.

Conditions:
CACNA1H-related disorder.
Idiopathic generalized epilepsy. Also called: Generalised epilepsy; EIG. Identifiers: MedGen C0270850, MONDO:0005579, OMIM 600669.
Hyperaldosteronism, familial, type IV (HALD4). Also called: FH IV; ALDOSTERONISM, PRIMARY, AND HYPERTENSION. Identifiers: Orphanet 642671, MedGen C4310756, MONDO:0014875, OMIM 617027.

Submissions (4):

Labcorp Genetics (formerly Invitae), Labcorp
Classification: Benign for Idiopathic generalized epilepsy; Hyperaldosteronism, familial, type IV. Last evaluated: 2025-09-24. Review status: criteria provided, single submitter. Criteria: Invitae Variant Classification Sherloc (09022015). Collection method: clinical testing. Allele origin: germline.

Blueprint Genetics
Classification: Likely benign. Last evaluated: 2024-08-28. Review status: criteria provided, single submitter. Criteria: ACMG Guidelines, 2015. Collection method: clinical testing. Allele origin: germline.

Athena Diagnostics
Classification: Benign. Last evaluated: 2024-08-21. Review status: criteria provided, single submitter. Criteria: Athena Diagnostics Criteria. Collection method: clinical testing. Allele origin: unknown.

PreventionGenetics, part of Exact Sciences
Classification: Likely benign for CACNA1H-related condition. Last evaluated: 2019-04-10. Review status: no assertion criteria provided. Collection method: clinical testing. Allele origin: germline. Not counted in ClinVar's aggregate classification.
Comment: This variant is classified as likely benign based on ACMG/AMP sequence variant interpretation guidelines (Richards et al. 2015 PMID: 25741868, with internal and published modifications).